The following is an entry in ClinVar:

ClinVar aggregate classification (germline): Conflicting classifications of pathogenicity. Review status: criteria provided, conflicting classifications (1 of 4 stars). 6 submissions from 6 submitters: Uncertain significance (4); Likely benign (1). 1 of the submissions does not count toward it. Last evaluated 2025-12-10.

Conditions:
PEX10-related disorder. Also called: PEX10-related condition.
Peroxisome biogenesis disorder, complementation group 7 (CG7). Also called: Peroxisome biogenesis disorder, complementation group B. Identifiers: MedGen C1864399.
Peroxisome biogenesis disorder 6A (Zellweger). Also called: Peroxisome biogenesis disorder 6A. Identifiers: Orphanet 912, MedGen C3553947, MONDO:0013936, OMIM 614870.
Inborn genetic diseases. Identifiers: MedGen C0950123, MeSH D030342.

Allele frequency attached by ClinVar (database versions not stated): ESP Exome Variant Server 0.00008; gnomAD exomes 0.00009; TOPMed 0.00009; ExAC 0.00010; gnomAD 0.00010 and 0.00011; 1000 Genomes Project 0.00060; 1000 Genomes Project 30x 0.00094.

Submissions (6):

Mayo Clinic Laboratories, Mayo Clinic
Classification: Uncertain significance. Last evaluated: 2025-12-10. Review status: criteria provided, single submitter. Criteria: ACMG Guidelines, 2015. Collection method: clinical testing. Allele origin: germline. Observed: 1 variant allele.
Comment: BP4_moderate

Ambry Genetics
Classification: Uncertain significance for Inborn genetic diseases. Last evaluated: 2025-08-22. Review status: criteria provided, single submitter. Criteria: Ambry Variant Classification Scheme 2023. Collection method: clinical testing. Allele origin: germline.

Labcorp Genetics (formerly Invitae), Labcorp
Classification: Uncertain significance for Peroxisome biogenesis disorder, complementation group 7. Last evaluated: 2024-10-15. Review status: criteria provided, single submitter. Criteria: Invitae Variant Classification Sherloc (09022015). Collection method: clinical testing. Allele origin: germline.
Comment: This sequence change replaces alanine, which is neutral and non-polar, with threonine, which is neutral and polar, at codon 319 of the PEX10 protein (p.Ala319Thr). This variant is present in population databases (rs371030713, gnomAD 0.07%). This variant has not been reported in the literature in individuals affected with PEX10-related conditions. ClinVar contains an entry for this variant (Variation ID: 1029463). An algorithm developed to predict the effect of missense changes on protein structure and function (PolyPhen-2) suggests that this variant¬†is likely to be tolerated. In summary, the available evidence is currently insufficient to determine the role of this variant in disease. Therefore, it has been classified as a Variant of Uncertain Significance.

Blueprint Genetics
Classification: Likely benign. Last evaluated: 2024-05-30. Review status: criteria provided, single submitter. Criteria: ACMG Guidelines, 2015. Collection method: clinical testing. Allele origin: germline.

Baylor Genetics
Classification: Uncertain significance for Peroxisome biogenesis disorder 6A (Zellweger). Last evaluated: 2019-08-07. Review status: criteria provided, single submitter. Criteria: ACMG Guidelines, 2015. Collection method: clinical testing. Allele origin: unknown. Affected: yes.
Comment: This variant was determined to be of uncertain significance according to ACMG Guidelines, 2015 [PMID:25741868].

PreventionGenetics, part of Exact Sciences
Classification: Uncertain significance for PEX10-related condition. Last evaluated: 2024-05-17. Review status: no assertion criteria provided. Collection method: clinical testing. Allele origin: germline. Not counted in ClinVar's aggregate classification.
Comment: The PEX10 c.955G>A variant is predicted to result in the amino acid substitution p.Ala319Thr. To our knowledge, this variant has not been reported in the literature. This variant is reported in 0.075% of alleles in individuals of East Asian descent in gnomAD. Although we suspect that this variant may be benign, at this time, the clinical significance of this variant is uncertain due to the absence of conclusive functional and genetic evidence.

NM_002617.4(PEX10):c.895G>A (p.Ala299Thr)

Gene: PEX10 (peroxisomal biogenesis factor 10; minus strand). Cytogenetic location: 1p36.32.
Variant type: single nucleotide variant.
Coding change: c.895G>A on transcript NM_002617.4 (MANE Select); coding-DNA position 895, G replaced by A.
Protein change: p.Ala299Thr; replaces alanine 299 with threonine.
Molecular consequence: missense variant. On other transcripts: non-coding transcript variant (1).
Genome position (GRCh38, 1-based): chr1:2,406,501, C>T on the plus strand (G>A on the coding strand, the complement: PEX10 is on the minus strand). VCF-style: chr1-2406501-C-T. GRCh37 (hg19) VCF-style: chr1-2337940-C-T.
Other names: p.Ala319Thr; c.955G>A (NM_153818.1); c.952G>A, p.Ala318Thr (NM_001374425.1); c.520G>A, p.Ala174Thr (NM_001374426.1); c.463G>A, p.Ala155Thr (NM_001374427.1); c.955G>A, p.Ala319Thr (NM_153818.2); short protein forms A155T, A299T, A174T, A319T, A318T.
Identifiers: ClinVar variation 1029463 (VCV001029463.8), dbSNP rs371030713, ClinGen allele CA537987.